The following is an entry in ClinVar:

NM_007294.4(BRCA1):c.4804G>T (p.Val1602Phe)

Gene: BRCA1 (BRCA1 DNA repair associated; minus strand). Cytogenetic location: 17q21.31.
Variant type: single nucleotide variant.
Coding change: c.4804G>T on transcript NM_007294.4 (MANE Select); coding-DNA position 4804, G replaced by T.
Protein change: p.Val1602Phe; replaces valine 1602 with phenylalanine.
Molecular consequence: missense variant. On other transcripts: non-coding transcript variant (1).
Genome position (GRCh38, 1-based): chr17:43,071,110, C>A on the plus strand (G>T on the coding strand, the complement: BRCA1 is on the minus strand). VCF-style: chr17-43071110-C-A. GRCh37 (hg19) VCF-style: chr17-41223127-C-A.
Other names: c.4591G>T, p.Val1531Phe (NM_001407571.1, NM_001407906.1, NM_001407907.1 and 12 more transcripts); c.4870G>T, p.Val1624Phe (NM_001407581.1, NM_001407582.1); c.4867G>T, p.Val1623Phe (NM_001407583.1, NM_001407585.1, NM_001407587.1 and 1 more transcripts); c.4864G>T, p.Val1622Phe (NM_001407590.1, NM_001407591.1); c.4804G>T, p.Val1602Phe (NM_001407593.1, NM_001407594.1, NM_001407596.1 and 8 more transcripts); c.4801G>T, p.Val1601Phe (NM_001407613.1, NM_001407614.1, NM_001407615.1 and 17 more transcripts); c.4798G>T, p.Val1600Phe (NM_001407632.1, NM_001407633.1, NM_001407634.1 and 14 more transcripts); c.4726G>T, p.Val1576Phe (NM_001407654.1, NM_001407655.1, NM_001407653.1); and 70 more; short protein forms V1623F, V1555F, V1602F, V498F, V1433F, V1473F, V1489F, V1490F.
Identifiers: ClinVar variation 825189 (VCV000825189.34), dbSNP rs1597831323, ClinGen allele CA10591911.

ClinVar aggregate classification (germline): Uncertain significance. Review status: criteria provided, multiple submitters, no conflicts (2 of 4 stars). 4 submissions from 4 submitters: Uncertain significance (4). Last evaluated 2026-06-10.

Conditions:
Hereditary cancer-predisposing syndrome. Also called: Tumor predisposition; Hereditary neoplastic syndrome; Neoplastic Syndromes, Hereditary; Hereditary Cancer Syndrome. Identifiers: Orphanet 140162, MedGen C0027672, MeSH D009386, MONDO:0015356.
Hereditary breast ovarian cancer syndrome. Also called: Hereditary breast and ovarian cancer syndrome; Hereditary breast and ovarian cancer; Hereditary breast and/or ovarian cancer syndrome; Hereditary breast and ovarian cancer syndrome (HBOC); Breast and ovarian cancer; BRCA1- and BRCA2-Associated Hereditary Breast and Ovarian Cancer. Identifiers: Orphanet 145, MedGen C0677776, MeSH D061325, MONDO:0003582. Disease mechanism: loss of function.

Submissions (4):

Ambry Genetics
Classification: Uncertain significance for Hereditary cancer-predisposing syndrome. Last evaluated: 2026-06-10. Review status: criteria provided, single submitter. Criteria: Ambry Variant Classification Scheme 2023. Collection method: clinical testing. Allele origin: germline.

CeGaT Center for Human Genetics Tuebingen
Classification: Uncertain significance. Last evaluated: 2024-10-01. Review status: criteria provided, single submitter. Criteria: CeGaT Center For Human Genetics Tuebingen Variant Classification Criteria Version 2. Collection method: clinical testing. Allele origin: germline. Affected: yes. Observed: 1 variant allele.
Comment: BRCA1: PM2, BP4

Labcorp Genetics (formerly Invitae), Labcorp
Classification: Uncertain significance for Hereditary breast ovarian cancer syndrome. Last evaluated: 2023-12-22. Review status: criteria provided, single submitter. Criteria: Invitae Variant Classification Sherloc (09022015). Collection method: clinical testing. Allele origin: germline.
Comment: This sequence change replaces valine, which is neutral and non-polar, with phenylalanine, which is neutral and non-polar, at codon 1602 of the BRCA1 protein (p.Val1602Phe). This variant is not present in population databases (gnomAD no frequency). This variant has not been reported in the literature in individuals affected with BRCA1-related conditions. ClinVar contains an entry for this variant (Variation ID: 825189). Advanced modeling of protein sequence and biophysical properties (such as structural, functional, and spatial information, amino acid conservation, physicochemical variation, residue mobility, and thermodynamic stability) performed at Invitae indicates that this missense variant is not expected to disrupt BRCA1 protein function with a negative predictive value of 95%. In summary, the available evidence is currently insufficient to determine the role of this variant in disease. Therefore, it has been classified as a Variant of Uncertain Significance.

Color Diagnostics, LLC DBA Color Health
Classification: Uncertain significance for Hereditary cancer-predisposing syndrome. Last evaluated: 2020-01-06. Review status: criteria provided, single submitter. Criteria: ACMG Guidelines, 2015. Collection method: clinical testing. Allele origin: germline.
Comment: This missense variant replaces valine with phenylalanine at codon 1602 of the BRCA1 protein. Computational prediction tool is inconclusive regarding the impact of this variant on protein structure and function (internally defined REVEL score threshold 0.5 < inconclusive < 0.7, PMID: 27666373). Splice site prediction tools suggest that this variant may not impact RNA splicing. To our knowledge, functional studies have not been performed for this variant. This variant has not been reported in individuals affected with hereditary cancer in the literature. This variant has not been identified in the general population by the Genome Aggregation Database (gnomAD). The available evidence is insufficient to determine the role of this variant in disease conclusively. Therefore, this variant is classified as a Variant of Uncertain Significance.